The following is an entry in ClinVar:

ClinVar aggregate classification (germline): Uncertain significance. Review status: criteria provided, multiple submitters, no conflicts (2 of 4 stars). 3 submissions from 3 submitters: Uncertain significance (3). Last evaluated 2024-01-16.

Conditions:
Enterokinase deficiency. Also called: Congenital enteropathy due to enteropeptidase deficiency; ENTEROPEPTIDASE DEFICIENCY; Deficiency of enteropeptidase. Identifiers: Orphanet 168601, MedGen C0268416, MONDO:0009173, OMIM 226200.

Allele frequency attached by ClinVar (database versions not stated): gnomAD 0.00001; gnomAD exomes 0.00002 and 0.00005; TOPMed 0.00002; ExAC 0.00004; 1000 Genomes Project 30x 0.00016; 1000 Genomes Project 0.00020.
gnomAD v4.1: 16 of 1,614,122 alleles (0.00099%); highest among the groups gnomAD compares: Admixed American, 0.018%; no homozygotes.

Submissions (3):

Ambry Genetics
Classification: Uncertain significance. Last evaluated: 2024-01-16. Review status: criteria provided, single submitter. Criteria: Ambry Variant Classification Scheme 2023. Collection method: clinical testing. Allele origin: germline.

Labcorp Genetics (formerly Invitae), Labcorp
Classification: Uncertain significance. Last evaluated: 2022-04-07. Review status: criteria provided, single submitter. Criteria: Invitae Variant Classification Sherloc (09022015). Collection method: clinical testing. Allele origin: germline.
Comment: This sequence change replaces alanine, which is neutral and non-polar, with threonine, which is neutral and polar, at codon 491 of the TMPRSS15 protein (p.Ala491Thr). This variant is present in population databases (rs576287723, gnomAD 0.03%). This variant has not been reported in the literature in individuals affected with TMPRSS15-related conditions. ClinVar contains an entry for this variant (Variation ID: 1028047). Algorithms developed to predict the effect of missense changes on protein structure and function are either unavailable or do not agree on the potential impact of this missense change (SIFT: "Not Available"; PolyPhen-2: "Probably Damaging"; Align-GVGD: "Not Available"). In summary, the available evidence is currently insufficient to determine the role of this variant in disease. Therefore, it has been classified as a Variant of Uncertain Significance.

Baylor Genetics
Classification: Uncertain significance for Enterokinase deficiency. Last evaluated: 2020-07-30. Review status: criteria provided, single submitter. Criteria: ACMG Guidelines, 2015. Collection method: clinical testing. Allele origin: paternal. Affected: yes.
Comment: This variant was determined to be of uncertain significance according to ACMG Guidelines, 2015 [PMID:25741868].

NM_002772.3(TMPRSS15):c.1471G>A (p.Ala491Thr)

Gene: TMPRSS15 (transmembrane serine protease 15; minus strand). Cytogenetic location: 21q21.1.
Variant type: single nucleotide variant.
Coding change: c.1471G>A on transcript NM_002772.3 (MANE Select); coding-DNA position 1471, G replaced by A.
Protein change: p.Ala491Thr; replaces alanine 491 with threonine.
Molecular consequence: missense variant.
Genome position (GRCh38, 1-based): chr21:18,341,506, C>T on the plus strand (G>A on the coding strand, the complement: TMPRSS15 is on the minus strand). VCF-style: chr21-18341506-C-T. GRCh37 (hg19) VCF-style: chr21-19713823-C-T.
Other names: short protein forms A491T.
Identifiers: ClinVar variation 1028047 (VCV001028047.4), dbSNP rs576287723, ClinGen allele CA9984413.